The following is an entry in ClinVar:

NM_000030.3(AGXT):c.145A>C (p.Met49Leu)

Gene: AGXT (alanine--glyoxylate aminotransferase; plus strand). Cytogenetic location: 2q37.3.
Variant type: single nucleotide variant.
Coding change: c.145A>C on transcript NM_000030.3 (MANE Select); coding-DNA position 145, A replaced by C.
Protein change: p.Met49Leu; replaces methionine 49 with leucine.
Molecular consequence: missense variant.
Genome position (GRCh38, 1-based): chr2:240,869,010, A>C. VCF-style: chr2-240869010-A-C. GRCh37 (hg19) VCF-style: chr2-241808427-A-C.
Other names: short protein forms M49L.
Identifiers: ClinVar variation 550334 (VCV000550334.22), dbSNP rs74205173, ClinGen allele CA2208988.

ClinVar aggregate classification (germline): Benign/Likely benign. Review status: criteria provided, multiple submitters, no conflicts (2 of 4 stars). 6 submissions from 6 submitters: Benign (2); Likely benign (2). 2 of the submissions do not count toward it. Last evaluated 2026-01-26.

Conditions:
Primary hyperoxaluria, type I (HP1). Also called: GLYCOLIC ACIDURIA; HEPATIC AGT DEFICIENCY; OXALOSIS I; Primary hyperoxaluria type 1. Identifiers: Orphanet 416, Orphanet 93598, MedGen C0268164, MONDO:0009823, OMIM 259900. Disease mechanism: loss of function.

Allele frequency attached by ClinVar (database versions not stated): gnomAD 0.00022 and 0.00030; ExAC 0.00045; gnomAD exomes 0.00050; TOPMed 0.00068; 1000 Genomes Project 30x 0.00172; 1000 Genomes Project 0.00200.
gnomAD v4.1: 255 of 1,596,674 alleles (0.016%); highest among the groups gnomAD compares: East Asian, 0.46%; no homozygotes.

Submissions (6):

Labcorp Genetics (formerly Invitae), Labcorp
Classification: Likely benign. Last evaluated: 2026-01-26. Review status: criteria provided, single submitter. Criteria: Invitae Variant Classification Sherloc (09022015). Collection method: clinical testing. Allele origin: germline.

Clinical Biochemistry Laboratory, Health Services Laboratory
Classification: Likely benign for Primary hyperoxaluria, type I. Last evaluated: 2023-10-27. Review status: criteria provided, single submitter. Criteria: ACMG Guidelines, 2015. Collection method: curation. Allele origin: germline. Affected: yes.
Comment: ACMG:BS1 BP2

Women's Health and Genetics/Laboratory Corporation of America, LabCorp
Classification: Benign. Last evaluated: 2021-08-24. Review status: criteria provided, single submitter. Criteria: LabCorp Variant Classification Summary - May 2015. Collection method: clinical testing. Allele origin: germline.
Comment: Variant summary: AGXT c.145A>C (p.Met49Leu) results in a conservative amino acid change in the encoded protein sequence. Four of five in-silico tools predict a benign effect of the variant on protein function. The variant allele was found at a frequency of 0.0005 in 275722 control chromosomes, predominantly at a frequency of 0.0065 within the East Asian subpopulation in the gnomAD database. The observed variant frequency within East Asian control individuals in the gnomAD database is approximately 2.74 fold of the estimated maximal expected allele frequency for a pathogenic variant in AGXT causing Primary Hyperoxaluria Type 1 phenotype (0.0024), strongly suggesting that the variant is a benign polymorphism found primarily in populations of East Asian origin. c.145A>C has been reported in the literature in a Chinese family in three individuals affected with Primary Hyperoxaluria Type 1, however all three affected family members carried a truncating variant in cis with the variant of interest (Wang_2016). Therefore, this report does not provide unequivocal conclusions about association of the variant with Primary Hyperoxaluria Type 1. To our knowledge, no experimental evidence demonstrating an impact on protein function has been reported. Three clinical diagnostic laboratories have submitted clinical-significance assessments for this variant to ClinVar after 2014 without evidence for independent evaluation, and classified the variant as benign, likely benign or uncertain significance. Based on the evidence outlined above, the variant was classified as benign.

Illumina Laboratory Services, Illumina
Classification: Benign for Primary hyperoxaluria, type I. Last evaluated: 2017-10-02. Review status: criteria provided, single submitter. Criteria: ICSL Variant Classification Criteria 13 December 2019. Collection method: clinical testing. Allele origin: germline.
Comment: This variant was observed as part of a predisposition screen in an ostensibly healthy population. A literature search was performed for the gene, cDNA change, and amino acid change (where applicable). Publications were found based on this search. The evidence from the literature, in combination with allele frequency data from public databases where available, was sufficient to rule this variant out of causing disease. Therefore, this variant is classified as benign.

Natera, Inc.
Classification: Likely benign for Primary hyperoxaluria type I. Last evaluated: 2020-01-14. Review status: no assertion criteria provided. Collection method: clinical testing. Allele origin: germline. Not counted in ClinVar's aggregate classification.

Counsyl
Classification: Uncertain significance for Primary hyperoxaluria, type I. Last evaluated: 2017-01-11. Review status: no assertion criteria provided. Collection method: clinical testing. Allele origin: unknown. Not counted in ClinVar's aggregate classification.

Literature cited by the submitters: PubMed 27644547 (cited by 4 submitters); PubMed 30341509 (cited by Women's Health and Genetics/Laboratory Corporation of America, LabCorp); PubMed 32556641 (cited by Women's Health and Genetics/Laboratory Corporation of America, LabCorp); PubMed 32608139 (cited by Women's Health and Genetics/Laboratory Corporation of America, LabCorp); PubMed 30787879 (cited by Women's Health and Genetics/Laboratory Corporation of America, LabCorp).